The following is an entry in ClinVar:

ClinVar aggregate classification (germline): Conflicting classifications of pathogenicity. Review status: criteria provided, conflicting classifications (1 of 4 stars). 2 submissions from 2 submitters: Likely pathogenic (1); Uncertain significance (1). Last evaluated 2024-05-23.

Conditions:
Cardiovascular phenotype. Identifiers: MedGen CN230736.
Dilated cardiomyopathy 1O (CMD1O). Also called: CARDIOMYOPATHY, DILATED, WITH VENTRICULAR TACHYCARDIA. Identifiers: Orphanet 154, MedGen C1837839, MONDO:0012062, OMIM 608569.

Submissions (2):

Labcorp Genetics (formerly Invitae), Labcorp
Classification: Likely pathogenic for Dilated cardiomyopathy 1O. Last evaluated: 2024-05-23. Review status: criteria provided, single submitter. Criteria: Invitae Variant Classification Sherloc (09022015). Collection method: clinical testing. Allele origin: germline.
Comment: This variant results in the deletion of part of exon 5 (c.389_406+6del) of the ABCC9 gene. It is expected to disrupt RNA splicing. Variants that disrupt the donor or acceptor splice site typically lead to a loss of protein function (PMID: 16199547), and loss-of-function variants in ABCC9 are known to be pathogenic (PMID: 31575858, 38217872). This variant is not present in population databases (gnomAD no frequency). This variant has not been reported in the literature in individuals affected with ABCC9-related conditions. Experimental studies and prediction algorithms are not available or were not evaluated, and the effect of this variant on mRNA splicing is currently unknown. In summary, the currently available evidence indicates that the variant is pathogenic, but additional data are needed to prove that conclusively. Therefore, this variant has been classified as Likely Pathogenic.

Ambry Genetics
Classification: Uncertain significance for Cardiovascular phenotype. Last evaluated: 2024-03-12. Review status: criteria provided, single submitter. Criteria: Ambry Variant Classification Scheme 2023. Collection method: clinical testing. Allele origin: germline.
Comment: The c.389_406+6del24 variant results from a deletion of 24 nucleotides between positions c.389 and c.406+6 and involves the canonical splice donor site after coding exon 3 of the ABCC9 gene. The canonical splice donor site is highly conserved in available vertebrate species. In silico splice site analysis predicts that this alteration will weaken the native splice donor site; however, the exact impact of this deletion on ABCC9 splicing and function is currently unknown. Alterations that disrupt the canonical splice site are expected to cause aberrant splicing, resulting in an abnormal protein or a transcript that is subject to nonsense-mediated mRNA decay. However, loss of function of ABCC9 has not been established as a mechanism of disease. Based on the available evidence, the clinical significance of this alteration remains unclear.

Literature cited by the submitters: PubMed 16199547 (cited by Labcorp Genetics (formerly Invitae), Labcorp); PubMed 31575858 (cited by Labcorp Genetics (formerly Invitae), Labcorp); PubMed 38217872 (cited by Labcorp Genetics (formerly Invitae), Labcorp).

NM_020297.4(ABCC9):c.389_406+6del

Gene: ABCC9 (ATP binding cassette subfamily C member 9; minus strand). Cytogenetic location: 12p12.1.
Variant type: Deletion.
Coding change: c.389_406+6del on transcript NM_020297.4 (MANE Select); coding-DNA position 389 through 6 bases into the intron after coding-DNA position 406, 24 bases deleted (TTCCTAAATTACTTTTAGGTAAGT).
Molecular consequence: splice donor variant.
Genome position (GRCh38, 1-based): chr12:21,925,936-21,925,959, ACTTACCTAAAAGTAATTTAGGAA deleted on the plus strand (TTCCTAAATTACTTTTAGGTAAGT on the coding strand, the reverse complement: ABCC9 is on the minus strand); deleting any 24 consecutive bases within chr12:21,925,936-21,925,960 gives the same sequence; the c. name uses the placement nearest the transcript's 3' end. VCF-style (leftmost placement, unchanged base first): chr12-21925935-TACTTACCTAAAAGTAATTTAGGAA-T. GRCh37 (hg19) VCF-style: chr12-22078869-TACTTACCTAAAAGTAATTTAGGAA-T.
Other names: c.-66_-49+6del (NM_001377274.1); c.389_406+6del (NM_005691.4, NM_001377273.1).
Identifiers: ClinVar variation 3224922 (VCV003224922.3), dbSNP rs2541827197, ClinGen allele CA2825002076.